The following is an entry in ClinVar:

ClinVar aggregate classification (germline): Pathogenic (1 of 4 stars; one submission).

Submission:

Labcorp Genetics (formerly Invitae), Labcorp
Classification: Pathogenic. Last evaluated: 2023-10-26. Review status: criteria provided, single submitter. Criteria: Invitae Variant Classification Sherloc (09022015). Collection method: clinical testing. Allele origin: unknown.
Comment: A gross deletion of the genomic region encompassing the full coding sequence of the MESP2 gene has been identified. Loss-of-function variants in MESP2 are known to be pathogenic (PMID: 9242490, 18485326). The boundaries of this event are unknown as they extend beyond the assayed region for this gene and therefore may encompass additional genes. This variant has not been reported in the literature in individuals affected with MESP2-related conditions. For these reasons, this variant has been classified as Pathogenic.

Literature cited by the submitters: PubMed 9242490; PubMed 18485326.

NC_000015.9:g.(?_90319589)_(90321565_?)del

Gene: MESP2 (mesoderm posterior bHLH transcription factor 2; plus strand). Cytogenetic location: 15q26.1.
Variant type: Deletion.
Identifiers: ClinVar variation 3243865 (VCV003243865.1).